The following is an entry in ClinVar:

ClinVar aggregate classification (germline): Uncertain significance (1 of 4 stars; one submission).

Conditions:
Spastic paraplegia. Identifiers: MedGen C0037772, HP:0001258.

Allele frequency attached by ClinVar (database versions not stated): gnomAD exomes below 0.00001.
gnomAD v4.1: 1 of 1,613,950 alleles (0.000062%); highest among the groups gnomAD compares: Non-Finnish European, 0.000085%; no homozygotes.

Submission:

Labcorp Genetics (formerly Invitae), Labcorp
Classification: Uncertain significance for Spastic paraplegia. Last evaluated: 2019-06-14. Review status: criteria provided, single submitter. Criteria: Invitae Variant Classification Sherloc (09022015). Collection method: clinical testing. Allele origin: germline.
Comment: This sequence change replaces methionine with lysine at codon 300 of the KIF5A protein (p.Met300Lys). The methionine residue is highly conserved and there is a moderate physicochemical difference between methionine and lysine. This variant is not present in population databases (ExAC no frequency). This variant has not been reported in the literature in individuals with KIF5A-related conditions. Algorithms developed to predict the effect of missense changes on protein structure and function (SIFT, PolyPhen-2, Align-GVGD) all suggest that this variant is likely to be disruptive, but these predictions have not been confirmed by published functional studies and their clinical significance is uncertain. In summary, the available evidence is currently insufficient to determine the role of this variant in disease. Therefore, it has been classified as a Variant of Uncertain Significance.

NM_004984.4(KIF5A):c.899T>A (p.Met300Lys)

Gene: KIF5A (kinesin family member 5A; plus strand). Cytogenetic location: 12q13.3.
Variant type: single nucleotide variant.
Coding change: c.899T>A on transcript NM_004984.4 (MANE Select); coding-DNA position 899, T replaced by A.
Protein change: p.Met300Lys; replaces methionine 300 with lysine.
Molecular consequence: missense variant.
Genome position (GRCh38, 1-based): chr12:57,569,335, T>A. VCF-style: chr12-57569335-T-A. GRCh37 (hg19) VCF-style: chr12-57963118-T-A.
Other names: c.632T>A, p.Met211Lys (NM_001354705.2); short protein forms M300K, M211K.
Identifiers: ClinVar variation 937636 (VCV000937636.9), dbSNP rs1290797018, ClinGen allele CA385500752.